The following is an entry in ClinVar:

ClinVar aggregate classification (germline): Likely benign. Review status: criteria provided, multiple submitters, no conflicts (2 of 4 stars). 3 submissions from 3 submitters: Likely benign (3). Last evaluated 2025-10-14.

Conditions:
AHDC1-related disorder. Also called: AHDC1-related condition.
Inborn genetic diseases. Identifiers: MedGen C0950123, MeSH D030342.

Allele frequency attached by ClinVar (database versions not stated): ExAC 0.00002; TOPMed 0.00005; ESP Exome Variant Server 0.00008.
gnomAD v4.1: 52 of 1,576,166 alleles (0.0033%); highest among the groups gnomAD compares: South Asian, 0.013%; no homozygotes.

Submissions (3):

PreventionGenetics, part of Exact Sciences
Classification: Likely benign for AHDC1-related condition. Last evaluated: 2025-10-14. Review status: criteria provided, single submitter. Criteria: ACMG Guidelines, 2015. Collection method: clinical testing. Allele origin: germline.
Comment: This variant is classified as likely benign based on ACMG/AMP sequence variant interpretation guidelines (Richards et al. 2015 PMID: 25741868, with internal and published modifications).

Ambry Genetics
Classification: Likely benign for Inborn genetic diseases. Last evaluated: 2024-08-20. Review status: criteria provided, single submitter. Criteria: Ambry Variant Classification Scheme 2023. Collection method: clinical testing. Allele origin: germline.

Labcorp Genetics (formerly Invitae), Labcorp
Classification: Likely benign. Last evaluated: 2024-07-01. Review status: criteria provided, single submitter. Criteria: Invitae Variant Classification Sherloc (09022015). Collection method: clinical testing. Allele origin: germline.

NM_001371928.1(AHDC1):c.3068C>T (p.Pro1023Leu)

Gene: AHDC1 (AT-hook DNA binding motif containing 1; minus strand). Cytogenetic location: 1p36.11.
Variant type: single nucleotide variant.
Coding change: c.3068C>T on transcript NM_001371928.1 (MANE Select); coding-DNA position 3068, C replaced by T.
Protein change: p.Pro1023Leu; replaces proline 1023 with leucine.
Molecular consequence: missense variant.
Genome position (GRCh38, 1-based): chr1:27,549,048, G>A on the plus strand (C>T on the coding strand, the complement: AHDC1 is on the minus strand). VCF-style: chr1-27549048-G-A. GRCh37 (hg19) VCF-style: chr1-27875559-G-A.
Other names: c.3068C>T (NM_001029882.2); c.3068C>T, p.Pro1023Leu (NM_001029882.3); short protein forms P1023L.
Identifiers: ClinVar variation 2068371 (VCV002068371.6), dbSNP rs202176790, ClinGen allele CA715632.